The following is an entry in ClinVar:

ClinVar aggregate classification (germline): Benign/Likely benign. Review status: criteria provided, multiple submitters, no conflicts (2 of 4 stars). 2 submissions from 2 submitters: Benign (1); Likely benign (1). Last evaluated 2024-10-08.

Conditions:
Familial cancer of breast. Also called: BREAST CANCER, FAMILIAL; Hereditary breast cancer; hereditary breast carcinoma. Identifiers: Orphanet 227535, MedGen C0346153, MONDO:0016419, OMIM 114480. Disease mechanism: loss of function.
Hereditary cancer-predisposing syndrome. Also called: Hereditary Cancer Syndrome; Neoplastic Syndromes, Hereditary; Tumor predisposition; Hereditary neoplastic syndrome. Identifiers: Orphanet 140162, MedGen C0027672, MeSH D009386, MONDO:0015356.

Submissions (2):

Myriad Genetics, Inc.
Classification: Benign for Familial cancer of breast. Last evaluated: 2024-10-08. Review status: criteria provided, single submitter. Criteria: Myriad Autosomal Dominant, Autosomal Recessive and X-Linked Classification Criteria (2023). Collection method: clinical testing. Allele origin: unknown.
Comment: This variant is considered benign. This variant is a silent/synonymous amino acid change and it is not expected to impact splicing.

Ambry Genetics
Classification: Likely benign for Hereditary cancer-predisposing syndrome. Last evaluated: 2016-02-08. Review status: criteria provided, single submitter. Criteria: Ambry Variant Classification Scheme 2023. Collection method: clinical testing. Allele origin: germline.

NM_007194.4(CHEK2):c.1416G>A (p.Lys472=)

Gene: CHEK2 (checkpoint kinase 2; minus strand). Cytogenetic location: 22q12.1.
Variant type: single nucleotide variant.
Coding change: c.1416G>A on transcript NM_007194.4 (MANE Select); coding-DNA position 1416, G replaced by A.
Protein change: p.Lys472=; no amino-acid change (lysine 472 retained).
Molecular consequence: synonymous variant.
Genome position (GRCh38, 1-based): chr22:28,694,077, C>T on the plus strand (G>A on the coding strand, the complement: CHEK2 is on the minus strand). VCF-style: chr22-28694077-C-T. GRCh37 (hg19) VCF-style: chr22-29090065-C-T.
Other names: c.1545G>A, p.Lys515= (NM_001005735.3); c.753G>A, p.Lys251= (NM_001257387.3); c.1215G>A, p.Lys405= (NM_001349956.3); c.1329G>A, p.Lys443= (NM_145862.3).
Identifiers: ClinVar variation 479544 (VCV000479544.6), dbSNP rs1555913131, ClinGen allele CA513944764.